The following is an entry in ClinVar:

NM_000138.5(FBN1):c.872A>T (p.Glu291Val)

Gene: FBN1 (fibrillin 1; minus strand). Cytogenetic location: 15q21.1.
Variant type: single nucleotide variant.
Coding change: c.872A>T on transcript NM_000138.5 (MANE Select); coding-DNA position 872, A replaced by T.
Protein change: p.Glu291Val; replaces glutamic acid 291 with valine.
Molecular consequence: missense variant.
Genome position (GRCh38, 1-based): chr15:48,526,246, T>A on the plus strand (A>T on the coding strand, the complement: FBN1 is on the minus strand). VCF-style: chr15-48526246-T-A. GRCh37 (hg19) VCF-style: chr15-48818443-T-A.
Other names: c.872A>T, p.Glu291Val (NM_001406716.1); short protein forms E291V.
Identifiers: ClinVar variation 2929242 (VCV002929242.4), dbSNP rs2505641081, ClinGen allele CA392350539.

ClinVar aggregate classification (germline): Uncertain significance. Review status: criteria provided, multiple submitters, no conflicts (2 of 4 stars). 2 submissions from 2 submitters: Uncertain significance (2). Last evaluated 2025-08-08.

Conditions:
Marfan syndrome (MFS). Also called: MARFAN SYNDROME, TYPE I; Marfan syndrome type 1; Marfan's syndrome; Marfan syndrome, classic; FBN1-Related Marfan Syndrome. Identifiers: Orphanet 284963, Orphanet 558, MedGen C0024796, MONDO:0007947, OMIM 154700.
Familial thoracic aortic aneurysm and aortic dissection (TAAD). Also called: Thoracic aortic aneurysms and dissections. Identifiers: Orphanet 91387, MedGen C4707243, MONDO:0019625.

Allele frequency attached by ClinVar (database versions not stated): gnomAD exomes 0.00001.
gnomAD v4.1: 8 of 1,614,076 alleles (0.0005%); highest among the groups gnomAD compares: Non-Finnish European, 0.00068%; no homozygotes.

Submissions (2):

Labcorp Genetics (formerly Invitae), Labcorp
Classification: Uncertain significance for Marfan syndrome; Familial thoracic aortic aneurysm and aortic dissection. Last evaluated: 2025-08-08. Review status: criteria provided, single submitter. Criteria: Invitae Variant Classification Sherloc (09022015). Collection method: clinical testing. Allele origin: germline.
Comment: This sequence change replaces glutamic acid, which is acidic and polar, with valine, which is neutral and non-polar, at codon 291 of the FBN1 protein (p.Glu291Val). This variant is not present in population databases (gnomAD no frequency). This variant has not been reported in the literature in individuals affected with FBN1-related conditions. ClinVar contains an entry for this variant (Variation ID: 2929242). Invitae Evidence Modeling of protein sequence and biophysical properties (such as structural, functional, and spatial information, amino acid conservation, physicochemical variation, residue mobility, and thermodynamic stability) indicates that this missense variant is expected to disrupt FBN1 protein function with a positive predictive value of 95%. In summary, the available evidence is currently insufficient to determine the role of this variant in disease. Therefore, it has been classified as a Variant of Uncertain Significance.

All of Us Research Program, National Institutes of Health
Classification: Uncertain significance for Marfan syndrome. Last evaluated: 2024-08-06. Review status: criteria provided, single submitter. Criteria: ACMG Guidelines, 2015. Collection method: clinical testing. Allele origin: germline. Inheritance: Autosomal dominant inheritance. Observed: 2 variant alleles, 2 heterozygotes.
Comment: This missense variant replaces glutamic acid with valine at codon 291 of the FBN1 protein. Computational prediction suggests that this variant may have deleterious impact on protein structure and function (internally defined REVEL score threshold >= 0.7, PMID: 27666373). To our knowledge, functional studies have not been reported for this variant. This variant has not been reported in individuals affected with FBN1-related disorders in the literature. This variant has not been identified in the general population by the Genome Aggregation Database (gnomAD). The available evidence is insufficient to determine the role of this variant in disease conclusively. Therefore, this variant is classified as a Variant of Uncertain Significance.

This study involves interpretation of variants in research participants for the purpose of population health screening. Participant phenotype was not available at the time of variant classification. Additional details can be found in publication PMID: 35346344, PMCID: PMC8962531